The following is an entry in ClinVar:

NM_002693.3(POLG):c.128_143del (p.Gln43fs)

Genes: POLG (DNA polymerase gamma, catalytic subunit; minus strand), POLGARF (POLG alternative reading frame; minus strand). Cytogenetic location: 15q26.1.
Variant type: Deletion.
Coding change: c.128_143del on transcript NM_002693.3 (MANE Select); coding-DNA positions 128 to 143, 16 bases deleted (AGCAGCAGCAGCAGCA).
Protein change: p.Gln43fs; shifts the reading frame from glutamine 43.
Molecular consequence: frameshift variant.
Genome position (GRCh38, 1-based): chr15:89,333,612-89,333,627, TGCTGCTGCTGCTGCT deleted on the plus strand (AGCAGCAGCAGCAGCA on the coding strand, the reverse complement: POLG is on the minus strand). VCF-style (leftmost placement, unchanged base first): chr15-89333611-CTGCTGCTGCTGCTGCT-C. GRCh37 (hg19) VCF-style: chr15-89876842-CTGCTGCTGCTGCTGCT-C.
Other names: c.183_198del, p.Ala62fs (NM_001430120.1); c.128_143del, p.Gln43fs (NM_001126131.2); short protein forms A62fs, Q43fs.
Identifiers: ClinVar variation 5013215 (VCV005013215.1).

ClinVar aggregate classification (germline): Pathogenic (1 of 4 stars; one submission).

Conditions:
POLG-related disorder. Also called: POLG-Related Spectrum Disorders; POLG-related condition; POLG-Related Disorders. Identifiers: MedGen C4763519.

Submission:

Myriad Genetics, Inc.
Classification: Pathogenic for POLG-related disorder. Last evaluated: 2024-06-20. Review status: criteria provided, single submitter. Criteria: Myriad Autosomal Dominant, Autosomal Recessive and X-Linked Classification Criteria (2023). Collection method: clinical testing. Allele origin: unknown.
Comment: NM_002693.2(POLG):c.128_143del16(Q43Rfs*218) is expected to be pathogenic in the context of POLG-related disorders. This variant is predicted to lead to an abnormal or absent protein product due to the creation of a premature termination codon in POLG, a gene where loss-of-function variants are known to be pathogenic. Please note: this variant was assessed in the context of healthy population screening.